The following is an entry in ClinVar:

NM_000051.4(ATM):c.2163T>C (p.Leu721=)

Gene: ATM (ATM serine/threonine kinase; plus strand). Cytogenetic location: 11q22.3.
Variant type: single nucleotide variant.
Coding change: c.2163T>C on transcript NM_000051.4 (MANE Select); coding-DNA position 2163, T replaced by C.
Protein change: p.Leu721=; no amino-acid change (leucine 721 retained).
Molecular consequence: synonymous variant.
Genome position (GRCh38, 1-based): chr11:108,256,253, T>C. VCF-style: chr11-108256253-T-C. GRCh37 (hg19) VCF-style: chr11-108126980-T-C.
Other names: c.2163T>C, p.Leu721= (NM_001351834.2).
Identifiers: ClinVar variation 820825 (VCV000820825.16), dbSNP rs1591542057, ClinGen allele CA476672506.

ClinVar aggregate classification (germline): Benign/Likely benign. Review status: criteria provided, multiple submitters, no conflicts (2 of 4 stars). 5 submissions from 5 submitters: Benign (1); Likely benign (4). Last evaluated 2025-05-18.

Conditions:
Hereditary cancer-predisposing syndrome. Also called: Hereditary Cancer Syndrome; Neoplastic Syndromes, Hereditary; Hereditary neoplastic syndrome; Tumor predisposition. Identifiers: Orphanet 140162, MedGen C0027672, MeSH D009386, MONDO:0015356.
Ataxia-telangiectasia syndrome (AT). Also called: Cerebello-oculocutaneous telangiectasia; Immunodeficiency with ataxia telangiectasia; Ataxia-telangiectasia, complementation group E; Ataxia-telangiectasia, complementation group D; AT, COMPLEMENTATION GROUP C; ATAXIA-TELANGIECTASIA, COMPLEMENTATION GROUP A. Identifiers: Orphanet 100, MedGen C0004135, MONDO:0008840, OMIM 208900.
Familial cancer of breast. Also called: Hereditary breast cancer; hereditary breast carcinoma; BREAST CANCER, FAMILIAL. Identifiers: Orphanet 227535, MedGen C0346153, MONDO:0016419, OMIM 114480. Disease mechanism: loss of function.

Submissions (5):

Labcorp Genetics (formerly Invitae), Labcorp
Classification: Likely benign for Ataxia-telangiectasia syndrome. Last evaluated: 2025-05-18. Review status: criteria provided, single submitter. Criteria: Invitae Variant Classification Sherloc (09022015). Collection method: clinical testing. Allele origin: germline.

Color Diagnostics, LLC DBA Color Health
Classification: Likely benign for Hereditary cancer-predisposing syndrome. Last evaluated: 2025-03-03. Review status: criteria provided, single submitter. Criteria: ACMG Guidelines, 2015. Collection method: clinical testing. Allele origin: germline.

Myriad Genetics, Inc.
Classification: Benign for Familial cancer of breast. Last evaluated: 2024-05-07. Review status: criteria provided, single submitter. Criteria: Myriad Autosomal Dominant, Autosomal Recessive and X-Linked Classification Criteria (2023). Collection method: clinical testing. Allele origin: unknown.
Comment: This variant is considered benign. This variant is a silent/synonymous amino acid change and it is not expected to impact splicing.

Sema4
Classification: Likely benign for Hereditary cancer-predisposing syndrome. Last evaluated: 2021-11-15. Review status: criteria provided, single submitter. Criteria: Sema4 Curation Guidelines. Collection method: curation. Allele origin: germline.

Ambry Genetics
Classification: Likely benign for Hereditary cancer-predisposing syndrome. Last evaluated: 2018-11-23. Review status: criteria provided, single submitter. Criteria: Ambry Variant Classification Scheme 2023. Collection method: clinical testing. Allele origin: germline.